The following is an entry in ClinVar:

ClinVar aggregate classification (germline): Conflicting classifications of pathogenicity. Review status: criteria provided, conflicting classifications (1 of 4 stars). 2 submissions from 2 submitters: Uncertain significance (1); Likely benign (1). Last evaluated 2025-08-22.

Allele frequency attached by ClinVar (database versions not stated): gnomAD exomes 0.00001 and 0.00002; ExAC 0.00002; TOPMed 0.00003; gnomAD 0.00004; 1000 Genomes Project 30x 0.00031; 1000 Genomes Project 0.00040.
gnomAD v4.1: 16 of 1,614,152 alleles (0.00099%); highest among the groups gnomAD compares: African/African-American, 0.015%; no homozygotes.

Submissions (2):

Ambry Genetics
Classification: Likely benign. Last evaluated: 2025-08-22. Review status: criteria provided, single submitter. Criteria: Ambry Variant Classification Scheme 2023. Collection method: clinical testing. Allele origin: germline.

Labcorp Genetics (formerly Invitae), Labcorp
Classification: Uncertain significance. Last evaluated: 2024-04-24. Review status: criteria provided, single submitter. Criteria: Invitae Variant Classification Sherloc (09022015). Collection method: clinical testing. Allele origin: germline.
Comment: This sequence change replaces proline, which is neutral and non-polar, with arginine, which is basic and polar, at codon 553 of the KANK1 protein (p.Pro553Arg). This variant is present in population databases (rs115612705, gnomAD 0.02%). This variant has not been reported in the literature in individuals affected with KANK1-related conditions. ClinVar contains an entry for this variant (Variation ID: 1505423). Advanced modeling of protein sequence and biophysical properties (such as structural, functional, and spatial information, amino acid conservation, physicochemical variation, residue mobility, and thermodynamic stability) has been performed at Invitae for this missense variant, however the output from this modeling did not meet the statistical confidence thresholds required to predict the impact of this variant on KANK1 protein function. In summary, the available evidence is currently insufficient to determine the role of this variant in disease. Therefore, it has been classified as a Variant of Uncertain Significance.

NM_015158.5(KANK1):c.1658C>G (p.Pro553Arg)

Gene: KANK1 (KN motif and ankyrin repeat domains 1; plus strand). Cytogenetic location: 9p24.3.
Variant type: single nucleotide variant.
Coding change: c.1658C>G on transcript NM_015158.5 (MANE Select); coding-DNA position 1658, C replaced by G.
Protein change: p.Pro553Arg; replaces proline 553 with arginine.
Molecular consequence: missense variant. On other transcripts: non-coding transcript variant (1).
Genome position (GRCh38, 1-based): chr9:712,424, C>G. VCF-style: chr9-712424-C-G. GRCh37 (hg19) VCF-style: chr9-712424-C-G.
Other names: c.1658C>G, p.Pro553Arg (NM_001256876.3, NM_001256877.3, NM_001354331.2 and 2 more transcripts); c.1184C>G, p.Pro395Arg (NM_001354333.2, NM_001354335.2, NM_001354336.2 and 9 more transcripts); c.1658C>G (NM_015158.2); short protein forms P553R, P395R.
Identifiers: ClinVar variation 1505423 (VCV001505423.9), dbSNP rs115612705, ClinGen allele CA4960281.